The following is an entry in ClinVar:

ClinVar aggregate classification (germline): Benign. Review status: criteria provided, multiple submitters, no conflicts (2 of 4 stars). 4 submissions from 3 submitters: Benign (4). Last evaluated 2021-07-10.

Conditions:
Autosomal recessive nonsyndromic hearing loss 18A. Also called: DEAFNESS, AUTOSOMAL RECESSIVE 18; Deafness, autosomal recessive 18A. Identifiers: Orphanet 90636, MedGen C1865870, MONDO:0011192, OMIM 602092.
Usher syndrome type 1C. Also called: USHER SYNDROME, TYPE I, ACADIAN VARIETY. Identifiers: Orphanet 231169, Orphanet 886, MedGen C1848604, MONDO:0010171, OMIM 276904.

Allele frequency attached by ClinVar (database versions not stated): gnomAD 0.45275 and 0.45653; 1000 Genomes Project 0.46106; 1000 Genomes Project 30x 0.46143; TOPMed 0.46249.
gnomAD v4.1: 512,459 of 1,243,736 alleles (41%); highest among the groups gnomAD compares: African/African-American, 52%; 109,243 homozygotes.

Submissions (4):

Genome-Nilou Lab
Classification: Benign for Usher syndrome type 1C. Last evaluated: 2021-07-10. Review status: criteria provided, single submitter. Criteria: ACMG Guidelines, 2015. Collection method: clinical testing. Allele origin: germline. Affected: no.

Genome-Nilou Lab
Classification: Benign for Autosomal recessive nonsyndromic hearing loss 18A. Last evaluated: 2021-07-10. Review status: criteria provided, single submitter. Criteria: ACMG Guidelines, 2015. Collection method: clinical testing. Allele origin: germline. Affected: no.

GeneDx
Classification: Benign. Last evaluated: 2018-06-14. Review status: criteria provided, single submitter. Criteria: GeneDx Variant Classification (06012015). Collection method: clinical testing. Allele origin: germline. Affected: yes.
Comment: This variant is considered likely benign or benign based on one or more of the following criteria: it is a conservative change, it occurs at a poorly conserved position in the protein, it is predicted to be benign by multiple in silico algorithms, and/or has population frequency not consistent with disease.

Breakthrough Genomics
Classification: Benign. Review status: criteria provided, single submitter. Criteria: ACMG Guidelines, 2015. Collection method: not provided. Allele origin: germline. Inheritance: Autosomal recessive inheritance. Affected: yes.

NM_153676.4(USH1C):c.37-61A>G

Gene: USH1C (USH1 protein network component harmonin; minus strand). Cytogenetic location: 11p15.1.
Variant type: single nucleotide variant.
Coding change: c.37-61A>G on transcript NM_153676.4 (MANE Select); 61 bases into the intron before coding-DNA position 37, A replaced by G.
Molecular consequence: intron variant.
Genome position (GRCh38, 1-based): chr11:17,533,383, T>C on the plus strand (A>G on the coding strand, the complement: USH1C is on the minus strand). VCF-style: chr11-17533383-T-C. GRCh37 (hg19) VCF-style: chr11-17554930-T-C.
Other names: c.37-61A>G (NM_001297764.2, NM_005709.4).
Identifiers: ClinVar variation 670411 (VCV000670411.5), dbSNP rs878546, ClinGen allele CA15719643.
Genomic context (GRCh38, chr11:17,533,383, plus strand): 5'-CTGGAAAATCCAATAGCAGAATCACAGCTCCAGGCTCAGCACCCGCCCCCATAGCAGACC[T>C]CAGGGAGGAGAGGTCATCCCCAAGGGCCTCCCCAGCAGCTTTTCAGGGCTGGAGTTGTGA-3'